The following is an entry in ClinVar:

NM_001382391.1(CSPP1):c.959T>G (p.Met320Arg)

Gene: CSPP1 (centrosome and spindle pole associated protein 1; plus strand). Cytogenetic location: 8q13.2.
Variant type: single nucleotide variant.
Coding change: c.959T>G on transcript NM_001382391.1 (MANE Select); coding-DNA position 959, T replaced by G.
Protein change: p.Met320Arg; replaces methionine 320 with arginine.
Molecular consequence: missense variant. On other transcripts: intron variant (1).
Genome position (GRCh38, 1-based): chr8:67,103,072, T>G. VCF-style: chr8-67103072-T-G. GRCh37 (hg19) VCF-style: chr8-68015307-T-G.
Other names: c.104T>G, p.Met35Arg (NM_001291339.2); c.878T>G, p.Met293Arg (NM_001363131.2, NM_001363133.2); c.959T>G, p.Met320Arg (NM_001363132.2); c.1067T>G, p.Met356Arg (NM_001364869.1); c.986T>G, p.Met329Arg (NM_024790.7); c.951-2833T>G (NM_001364870.1); short protein forms M320R, M35R, M293R, M329R, M356R.
Identifiers: ClinVar variation 1031406 (VCV001031406.1), dbSNP rs1313170509, ClinGen allele CA371193800.

ClinVar aggregate classification (germline): Uncertain significance (1 of 4 stars; one submission).

Conditions:
Joubert syndrome 21 (JBTS21). Identifiers: MedGen C3810212, MONDO:0014288, OMIM 615636.

Submission:

Baylor Genetics
Classification: Uncertain significance for Joubert syndrome 21. Last evaluated: 2018-02-26. Review status: criteria provided, single submitter. Criteria: ACMG Guidelines, 2015. Collection method: clinical testing. Allele origin: unknown. Affected: yes.
Comment: This variant was determined to be of uncertain significance according to ACMG Guidelines, 2015 [PMID:25741868].